The following is an entry in ClinVar:

NM_201384.3(PLEC):c.8270G>A (p.Gly2757Asp)

Gene: PLEC (plectin; minus strand). Cytogenetic location: 8q24.3.
Variant type: single nucleotide variant.
Coding change: c.8270G>A on transcript NM_201384.3 (MANE Select); coding-DNA position 8270, G replaced by A.
Protein change: p.Gly2757Asp; replaces glycine 2757 with aspartic acid.
Molecular consequence: missense variant.
Genome position (GRCh38, 1-based): chr8:143,921,551, C>T on the plus strand (G>A on the coding strand, the complement: PLEC is on the minus strand). VCF-style: chr8-143921551-C-T. GRCh37 (hg19) VCF-style: chr8-144995719-C-T.
Other names: c.8174G>A, p.Gly2725Asp (NM_201381.3); c.8270G>A, p.Gly2757Asp (NM_201382.4); c.8282G>A, p.Gly2761Asp (NM_201383.3); c.8351G>A, p.Gly2784Asp (NM_000445.5); c.4970G>A, p.Gly1657Asp (NM_001410941.1); c.8228G>A, p.Gly2743Asp (NM_201378.4); c.8204G>A, p.Gly2735Asp (NM_201379.3); c.8681G>A, p.Gly2894Asp (NM_201380.4); short protein forms G1657D, G2725D, G2735D, G2743D, G2757D, G2761D, G2784D, G2894D.
Identifiers: ClinVar variation 3753107 (VCV003753107.2).

ClinVar aggregate classification (germline): Uncertain significance (1 of 4 stars; one submission).

Conditions:
Epidermolysis bullosa simplex with nail dystrophy (EBS5D). Identifiers: MedGen C4225309, MONDO:0014661, OMIM 616487.
Epidermolysis bullosa simplex, Ogna type (EBS5A). Also called: Pidermolysis bullosa simplex 5A, Ogna type; EPIDERMOLYSIS BULLOSA SIMPLEX 5A, OGNA TYPE. Identifiers: Orphanet 79401, MedGen C0432317, MONDO:0007555, OMIM 131950.
Autosomal recessive limb-girdle muscular dystrophy type 2Q (LGMDR17). Also called: MUSCULAR DYSTROPHY, LIMB-GIRDLE, AUTOSOMAL RECESSIVE 17. Identifiers: Orphanet 254361, MedGen C3150989, MONDO:0013390, OMIM 613723.
Epidermolysis bullosa simplex 5B, with muscular dystrophy (EBS5B). Also called: EPIDERMOLYSIS BULLOSA SIMPLEX AND LIMB-GIRDLE MUSCULAR DYSTROPHY; Epidermolysis bullosa simplex with muscular dystrophy. Identifiers: Orphanet 257, MedGen C2931072, MONDO:0009181, OMIM 226670.
Epidermolysis bullosa simplex 5C, with pyloric atresia (EBS5C). Also called: PLEC-Related Epidermolysis Bullosa with Pyloric Atresia; Epidermolysis bullosa simplex with pyloric atresia; PLEC1-Related Epidermolysis Bullosa with Pyloric Atresia. Identifiers: Orphanet 158684, MedGen C2677349, MONDO:0012807, OMIM 612138.

gnomAD v4.1: 3 of 1,612,692 alleles (0.00019%); highest among the groups gnomAD compares: Non-Finnish European, 0.00025%; no homozygotes.

Submission:

Labcorp Genetics (formerly Invitae), Labcorp
Classification: Uncertain significance for Autosomal recessive limb-girdle muscular dystrophy type 2Q; Epidermolysis bullosa simplex, Ogna type; Epidermolysis bullosa simplex with nail dystrophy; Epidermolysis bullosa simplex 5C, with pyloric atresia; Epidermolysis bullosa simplex 5B, with muscular dystrophy. Last evaluated: 2024-08-31. Review status: criteria provided, single submitter. Criteria: Invitae Variant Classification Sherloc (09022015). Collection method: clinical testing. Allele origin: germline.
Comment: This sequence change replaces glycine, which is neutral and non-polar, with aspartic acid, which is acidic and polar, at codon 2784 of the PLEC protein (p.Gly2784Asp). This variant is not present in population databases (gnomAD no frequency). This variant has not been reported in the literature in individuals affected with PLEC-related conditions. An algorithm developed to predict the effect of missense changes on protein structure and function (PolyPhen-2) suggests that this variant is likely to be tolerated. In summary, the available evidence is currently insufficient to determine the role of this variant in disease. Therefore, it has been classified as a Variant of Uncertain Significance.